The following is an entry in ClinVar:

NM_001164508.2(NEB):c.7309C>T (p.Arg2437Trp)

Gene: NEB (nebulin; minus strand). Cytogenetic location: 2q23.3.
Variant type: single nucleotide variant.
Coding change: c.7309C>T on transcript NM_001164508.2 (MANE Select); coding-DNA position 7309, C replaced by T.
Protein change: p.Arg2437Trp; replaces arginine 2437 with tryptophan.
Molecular consequence: missense variant.
Genome position (GRCh38, 1-based): chr2:151,650,298, G>A on the plus strand (C>T on the coding strand, the complement: NEB is on the minus strand). VCF-style: chr2-151650298-G-A. GRCh37 (hg19) VCF-style: chr2-152506812-G-A.
Other names: c.7309C>T, p.Arg2437Trp (NM_001164507.2, NM_001271208.2, NM_004543.5); short protein forms R2437W.
Identifiers: ClinVar variation 533993 (VCV000533993.39), dbSNP rs375164626, ClinGen allele CA1909881.
Genomic context (GRCh38, chr2:151,650,298, plus strand): 5'-TGAACTTGTTTCTGTCTGGAGGCTGACGATATTTCTTCTCACTGATGATTTCCGAAGCCC[G>A]CTTGTTCTTTTCTGCCTCTAAAGAACCCAAGGGACTCCATCCTATGCCTCTCAGCCACTC-3'
Protein context (NP_001157980.2, residues 2427-2447): LGSLEAEKNK[Arg2437Trp]ASEIISEKKY

ClinVar aggregate classification (germline): Conflicting classifications of pathogenicity. Review status: criteria provided, conflicting classifications (1 of 4 stars). 9 submissions from 9 submitters: Uncertain significance (7); Benign (1). 1 of the submissions does not count toward it. Last evaluated 2026-01-20.

Conditions:
Nemaline myopathy 2 (NEM2). Also called: Nemaline myopathy 2, autosomal recessive. Identifiers: MedGen C1850569, MONDO:0009725, OMIM 256030.
Arthrogryposis multiplex congenita 6. Identifiers: MedGen C5543431, MONDO:0030281, OMIM 619334.

Allele frequency attached by ClinVar (database versions not stated): ESP Exome Variant Server 0.00008; ExAC 0.00009; gnomAD exomes 0.00016; TOPMed 0.00019.
gnomAD v4.1: 230 of 1,613,680 alleles (0.014%); highest among the groups gnomAD compares: Middle Eastern, 0.049%; 2 homozygotes.

Submissions (9):

Labcorp Genetics (formerly Invitae), Labcorp
Classification: Benign for Nemaline myopathy 2. Last evaluated: 2026-01-20. Review status: criteria provided, single submitter. Criteria: Invitae Variant Classification Sherloc (09022015). Collection method: clinical testing. Allele origin: germline.

CeGaT Center for Human Genetics Tuebingen
Classification: Uncertain significance. Last evaluated: 2025-08-01. Review status: criteria provided, single submitter. Criteria: CeGaT Center For Human Genetics Tuebingen Variant Classification Criteria Version 2. Collection method: clinical testing. Allele origin: germline. Affected: yes. Observed: 2 variant alleles.
Comment: NEB: PM2, BP1, BP4

Blueprint Genetics
Classification: Uncertain significance. Last evaluated: 2024-10-06. Review status: criteria provided, single submitter. Criteria: ACMG Guidelines, 2015. Collection method: clinical testing. Allele origin: germline.

Revvity Omics, Revvity
Classification: Uncertain significance. Last evaluated: 2024-10-03. Review status: criteria provided, single submitter. Criteria: ACMG Guidelines, 2015. Collection method: clinical testing. Allele origin: germline.

GeneDx
Classification: Uncertain significance. Last evaluated: 2023-08-10. Review status: criteria provided, single submitter. Criteria: GeneDx Variant Classification Process June 2021. Collection method: clinical testing. Allele origin: germline. Affected: yes.
Comment: In silico analysis supports that this missense variant has a deleterious effect on protein structure/function; This variant is associated with the following publications: (PMID: 27105866, 25214167, 34426522)

Fulgent Genetics
Classification: Uncertain significance for Nemaline myopathy 2; Arthrogryposis multiplex congenita 6. Last evaluated: 2022-01-21. Review status: criteria provided, single submitter. Criteria: ACMG Guidelines, 2015. Collection method: clinical testing. Allele origin: unknown.

Athena Diagnostics
Classification: Uncertain significance. Last evaluated: 2021-01-05. Review status: criteria provided, single submitter. Criteria: Athena Diagnostics criteria. Collection method: clinical testing. Allele origin: unknown.

Baylor Genetics
Classification: Uncertain significance for Nemaline myopathy 2. Last evaluated: 2019-04-18. Review status: criteria provided, single submitter. Criteria: ACMG Guidelines, 2015. Collection method: clinical testing. Allele origin: maternal. Affected: yes.
Comment: This variant was determined to be of uncertain significance according to ACMG Guidelines, 2015 [PMID:25741868].

Natera, Inc.
Classification: Uncertain significance for Nemaline myopathy type 2. Last evaluated: 2020-09-16. Review status: no assertion criteria provided. Collection method: clinical testing. Allele origin: germline. Not counted in ClinVar's aggregate classification.

Literature cited by the submitters: PubMed 27105866 (cited by Athena Diagnostics); PubMed 25214167 (cited by Athena Diagnostics).